The following is an entry in ClinVar:

ClinVar aggregate classification (germline): Uncertain significance (1 of 4 stars; one submission).

Conditions:
BLK-related disorder. Also called: BLK-related condition.

Allele frequency attached by ClinVar (database versions not stated): gnomAD exomes below 0.00001; gnomAD 0.00001; TOPMed 0.00002.
gnomAD v4.1: 9 of 1,614,000 alleles (0.00056%); highest among the groups gnomAD compares: African/African-American, 0.0013%; no homozygotes.

Submission:

PreventionGenetics, part of Exact Sciences
Classification: Uncertain significance for BLK-related condition. Last evaluated: 2023-04-07. Review status: criteria provided, single submitter. Criteria: ACMG Guidelines, 2015. Collection method: clinical testing. Allele origin: germline.
Comment: The BLK c.1088C>T variant is predicted to result in the amino acid substitution p.Ala363Val. To our knowledge, this variant has not been reported in the literature. This variant is reported in 0.0040% of alleles in individuals of African descent in gnomAD. At this time, the clinical significance of this variant is uncertain due to the absence of conclusive functional and genetic evidence.

NM_001715.3(BLK):c.1088C>T (p.Ala363Val)

Gene: BLK (BLK proto-oncogene, Src family tyrosine kinase). Cytogenetic location: 8p23.1.
Variant type: single nucleotide variant.
Coding change: c.1088C>T on transcript NM_001715.3 (MANE Select); coding-DNA position 1088, C replaced by T.
Protein change: p.Ala363Val; replaces alanine 363 with valine.
Molecular consequence: missense variant.
Genome position (GRCh38, 1-based): chr8:11,561,360, C>T. VCF-style: chr8-11561360-C-T. GRCh37 (hg19) VCF-style: chr8-11418869-C-T.
Other names: c.875C>T, p.Ala292Val (NM_001330465.2); short protein forms A292V, A363V.
Identifiers: ClinVar variation 2630344 (VCV002630344.1), dbSNP rs1334454883, ClinGen allele CA370316023.
Genomic context (GRCh38, chr8:11,561,360, plus strand): 5'-AGATTGCTGAAGGGATGGCATACATTGAGCGCATGAATTCCATCCACCGCGACCTGCGGG[C>T]GGCCAACATCCTGGTGTCTGAGGCCTTGTGCTGCAAAATTGCTGATTTTGGCTTGGCTCG-3'
Protein context (NP_001706.2, residues 353-373): RMNSIHRDLR[Ala363Val]ANILVSEALC